The following is an entry in ClinVar:

ClinVar aggregate classification (germline): Conflicting classifications of pathogenicity. Review status: criteria provided, conflicting classifications (1 of 4 stars). 4 submissions from 4 submitters: Uncertain significance (3); Likely benign (1). Last evaluated 2026-06-10.

Allele frequency attached by ClinVar (database versions not stated): gnomAD exomes 0.00001; ExAC 0.00003; gnomAD 0.00007; TOPMed 0.00007; 1000 Genomes Project 30x 0.00016; 1000 Genomes Project 0.00020; ESP Exome Variant Server 0.00036.

Submissions (4):

Women's Health and Genetics/Laboratory Corporation of America, LabCorp
Classification: Uncertain significance. Last evaluated: 2026-06-10. Review status: criteria provided, single submitter. Criteria: LabCorp Variant Classification Summary - May 2015. Collection method: clinical testing. Allele origin: germline.
Comment: Variant summary: COL11A2 c.142C>T (p.Arg48Trp) results in a non-conservative amino acid change in the encoded protein sequence. Algorithms developed to predict the effect of missense changes on protein structure and function are either unavailable or do not agree on the potential impact of this missense change. The variant allele was found at a frequency of 8.1e-06 in 246712 control chromosomes. The available data on variant occurrences in the general population are insufficient to allow any conclusion about variant significance. To our knowledge, no occurrence of c.142C>T in individuals affected with COL11A2-related conditions and no experimental evidence demonstrating its impact on protein function have been reported. ClinVar contains an entry for this variant (Variation ID: 1215844). Based on the evidence outlined above, the variant was classified as uncertain significance.

Labcorp Genetics (formerly Invitae), Labcorp
Classification: Likely benign. Last evaluated: 2026-01-28. Review status: criteria provided, single submitter. Criteria: Invitae Variant Classification Sherloc (09022015). Collection method: clinical testing. Allele origin: germline.

Blueprint Genetics
Classification: Uncertain significance. Last evaluated: 2024-06-04. Review status: criteria provided, single submitter. Criteria: ACMG Guidelines, 2015. Collection method: clinical testing. Allele origin: germline.

GeneDx
Classification: Uncertain significance. Last evaluated: 2022-10-23. Review status: criteria provided, single submitter. Criteria: GeneDx Variant Classification Process June 2021. Collection method: clinical testing. Allele origin: germline. Affected: yes.
Comment: Has not been previously published as pathogenic or benign to our knowledge; In silico analysis supports that this missense variant has a deleterious effect on protein structure/function

NM_080680.3(COL11A2):c.142C>T (p.Arg48Trp)

Gene: COL11A2 (collagen type XI alpha 2 chain; minus strand). Cytogenetic location: 6p21.32.
Variant type: single nucleotide variant.
Coding change: c.142C>T on transcript NM_080680.3 (MANE Select); coding-DNA position 142, C replaced by T.
Protein change: p.Arg48Trp; replaces arginine 48 with tryptophan.
Molecular consequence: missense variant.
Genome position (GRCh38, 1-based): chr6:33,189,410, G>A on the plus strand (C>T on the coding strand, the complement: COL11A2 is on the minus strand). VCF-style: chr6-33189410-G-A. GRCh37 (hg19) VCF-style: chr6-33157187-G-A.
Other names: c.142C>T, p.Arg48Trp (NM_001163771.2, NM_080679.3, NM_080681.3); short protein forms R48W.
Identifiers: ClinVar variation 1215844 (VCV001215844.15), dbSNP rs151140273, ClinGen allele CA3751747.